The following is an entry in ClinVar:

NM_014324.6(AMACR):c.604A>T (p.Ser202Cys)

Genes: C1QTNF3-AMACR (C1QTNF3-AMACR readthrough (NMD candidate); minus strand), AMACR (alpha-methylacyl-CoA racemase; minus strand). Cytogenetic location: 5p13.2.
Variant type: single nucleotide variant.
Coding change: c.604A>T on transcript NM_014324.6 (MANE Select); coding-DNA position 604, A replaced by T.
Protein change: p.Ser202Cys; replaces serine 202 with cysteine.
Molecular consequence: missense variant. On other transcripts: non-coding transcript variant (1).
Genome position (GRCh38, 1-based): chr5:33,998,776, T>A on the plus strand (A>T on the coding strand, the complement: AMACR is on the minus strand). VCF-style: chr5-33998776-T-A. GRCh37 (hg19) VCF-style: chr5-33998881-T-A.
Other names: c.604A>T, p.Ser202Cys (NM_001167595.2); c.443A>T, p.Glu148Val (NM_203382.3); short protein forms E148V, S202C.
Identifiers: ClinVar variation 2128523 (VCV002128523.4), dbSNP rs2478995566, ClinGen allele CA359381609.
Genomic context (GRCh38, chr5:33,998,776, plus strand): 5'-TCGTATAGAAAGGTGCTCCACCATCCAACATGTTCTGTCCTCGAGGTGCTTCCCACAGAC[T>A]CAATTTCTGAGTTTTCCACAGAAAAGAACTTAAATATGCTGTTCCTTCCACCTTTGAGAA-3'
Protein context (NP_055139.4, residues 192-212): SSFLWKTQKL[Ser202Cys]LWEAPRGQNM

ClinVar aggregate classification (germline): Uncertain significance (1 of 4 stars; one submission).

Conditions:
Alpha-methylacyl-CoA racemase deficiency (AMACRD). Also called: AMACR deficiency. Identifiers: Orphanet 79095, MedGen C3280428, MONDO:0013681, OMIM 614307. Disease mechanism: loss of function.

Submission:

Labcorp Genetics (formerly Invitae), Labcorp
Classification: Uncertain significance for Alpha-methylacyl-CoA racemase deficiency. Last evaluated: 2025-10-02. Review status: criteria provided, single submitter. Criteria: Invitae Variant Classification Sherloc (09022015). Collection method: clinical testing. Allele origin: germline.
Comment: This sequence change replaces serine, which is neutral and polar, with cysteine, which is neutral and slightly polar, at codon 202 of the AMACR protein (p.Ser202Cys). This variant is not present in population databases (gnomAD no frequency). This variant has not been reported in the literature in individuals affected with AMACR-related conditions. ClinVar contains an entry for this variant (Variation ID: 2128523). Invitae Evidence Modeling of protein sequence and biophysical properties (such as structural, functional, and spatial information, amino acid conservation, physicochemical variation, residue mobility, and thermodynamic stability) indicates that this missense variant is not expected to disrupt AMACR protein function with a negative predictive value of 80%. In summary, the available evidence is currently insufficient to determine the role of this variant in disease. Therefore, it has been classified as a Variant of Uncertain Significance.